The following is an entry in ClinVar:

NM_078470.6(COX15):c.490A>C (p.Ile164Leu)

Gene: COX15 (cytochrome c oxidase assembly factor COX15; minus strand). Cytogenetic location: 10q24.2.
Variant type: single nucleotide variant.
Coding change: c.490A>C on transcript NM_078470.6 (MANE Select); coding-DNA position 490, A replaced by C.
Protein change: p.Ile164Leu; replaces isoleucine 164 with leucine.
Molecular consequence: missense variant. On other transcripts: 5 prime UTR variant (1), non-coding transcript variant (1).
Genome position (GRCh38, 1-based): chr10:99,727,060, T>G on the plus strand (A>C on the coding strand, the complement: COX15 is on the minus strand). VCF-style: chr10-99727060-T-G. GRCh37 (hg19) VCF-style: chr10-101486817-T-G.
Other names: c.490A>C, p.Ile164Leu (NM_001320974.2, NM_001320975.2, NM_001372024.1 and 5 more transcripts); c.-48A>C (NM_001320976.2); short protein forms I164L.
Identifiers: ClinVar variation 2011877 (VCV002011877.4), dbSNP rs749525116, ClinGen allele CA5642253.

ClinVar aggregate classification (germline): Uncertain significance (1 of 4 stars; one submission).

Allele frequency attached by ClinVar (database versions not stated): gnomAD exomes below 0.00001; TOPMed below 0.00001; ExAC 0.00001; gnomAD 0.00001.
gnomAD v4.1: 2 of 1,614,036 alleles (0.00012%); highest among the groups gnomAD compares: South Asian, 0.0011%; no homozygotes.

Submission:

Labcorp Genetics (formerly Invitae), Labcorp
Classification: Uncertain significance. Last evaluated: 2022-09-01. Review status: criteria provided, single submitter. Criteria: Invitae Variant Classification Sherloc (09022015). Collection method: clinical testing. Allele origin: germline.
Comment: In summary, the available evidence is currently insufficient to determine the role of this variant in disease. Therefore, it has been classified as a Variant of Uncertain Significance. Algorithms developed to predict the effect of missense changes on protein structure and function are either unavailable or do not agree on the potential impact of this missense change (SIFT: "Not Available"; PolyPhen-2: "Benign"; Align-GVGD: "Not Available"). This variant has not been reported in the literature in individuals affected with COX15-related conditions. This variant is not present in population databases (gnomAD no frequency). This sequence change replaces isoleucine, which is neutral and non-polar, with leucine, which is neutral and non-polar, at codon 164 of the COX15 protein (p.Ile164Leu).